The following is an entry in ClinVar:

NM_015102.5(NPHP4):c.1936C>T (p.Gln646Ter)

Gene: NPHP4 (nephrocystin 4; minus strand). Cytogenetic location: 1p36.31.
Variant type: single nucleotide variant.
Coding change: c.1936C>T on transcript NM_015102.5 (MANE Select); coding-DNA position 1936, C replaced by T.
Protein change: p.Gln646Ter; replaces glutamine 646 with a stop codon.
Molecular consequence: nonsense. On other transcripts: non-coding transcript variant (1).
Genome position (GRCh38, 1-based): chr1:5,905,311, G>A on the plus strand (C>T on the coding strand, the complement: NPHP4 is on the minus strand). VCF-style: chr1-5905311-G-A. GRCh37 (hg19) VCF-style: chr1-5965371-G-A.
Other names: c.397C>T, p.Gln133Ter (NM_001291593.2); c.400C>T, p.Gln134Ter (NM_001291594.2); short protein forms Q133*, Q134*, Q646*.
Identifiers: ClinVar variation 1411648 (VCV001411648.7), dbSNP rs2101131514, ClinGen allele CA338054194.

ClinVar aggregate classification (germline): Pathogenic/Likely pathogenic. Review status: criteria provided, multiple submitters, no conflicts (2 of 4 stars). 2 submissions from 2 submitters: Pathogenic (1); Likely pathogenic (1). Last evaluated 2024-07-23.

Conditions:
NPHP4-related disorder. Also called: NPHP4-related condition; NPHP4-related disorders. Identifiers: MedGen CN239384.
Nephronophthisis. Also called: Juvenile Nephronophthisis. Identifiers: Orphanet 655, MedGen C0687120, MONDO:0019005, HP:0000090.

Allele frequency attached by ClinVar (database versions not stated): gnomAD exomes below 0.00001.
gnomAD v4.1: 1 of 1,613,098 alleles (0.000062%); highest among the groups gnomAD compares: Non-Finnish European, 0.000085%; no homozygotes.

Submissions (2):

Blueprint Genetics
Classification: Likely pathogenic for NPHP4-related disorders. Last evaluated: 2024-07-23. Review status: criteria provided, single submitter. Criteria: ACMG Guidelines, 2015. Collection method: clinical testing. Allele origin: germline. Affected: yes. Observed: 1 variant allele.

Labcorp Genetics (formerly Invitae), Labcorp
Classification: Pathogenic for Nephronophthisis. Last evaluated: 2021-08-31. Review status: criteria provided, single submitter. Criteria: Invitae Variant Classification Sherloc (09022015). Collection method: clinical testing. Allele origin: germline.
Comment: This variant is not present in population databases (ExAC no frequency). This sequence change creates a premature translational stop signal (p.Gln646*) in the NPHP4 gene. It is expected to result in an absent or disrupted protein product. Loss-of-function variants in NPHP4 are known to be pathogenic (PMID: 12205563, 23559409). This variant has not been reported in the literature in individuals affected with NPHP4-related conditions. For these reasons, this variant has been classified as Pathogenic.

Literature cited by the submitters: PubMed 12205563 (cited by Labcorp Genetics (formerly Invitae), Labcorp); PubMed 23559409 (cited by Labcorp Genetics (formerly Invitae), Labcorp).